The following is an entry in ClinVar:

ClinVar aggregate classification (germline): Uncertain significance (1 of 4 stars; one submission).

Conditions:
Hereditary cancer-predisposing syndrome. Also called: Neoplastic Syndromes, Hereditary; Tumor predisposition; Hereditary neoplastic syndrome; Hereditary Cancer Syndrome. Identifiers: Orphanet 140162, MedGen C0027672, MeSH D009386, MONDO:0015356.
Cardiovascular phenotype. Identifiers: MedGen CN230736.

Submission:

Ambry Genetics
Classification: Uncertain significance for Cardiovascular phenotype; Hereditary cancer-predisposing syndrome. Last evaluated: 2024-03-05. Review status: criteria provided, single submitter. Criteria: Ambry Variant Classification Scheme 2023. Collection method: clinical testing. Allele origin: germline.
Comment: The c.4269+5A>G intronic variant results from an A to G substitution 5 nucleotides after coding exon 31 in the NF1 gene. This nucleotide position is well conserved in available vertebrate species. In silico splice site analysis predicts that this alteration will not have any significant effect on splicing. Based on the available evidence, the clinical significance of this alteration remains unclear.

NM_001042492.3(NF1):c.4332+5A>G

Gene: NF1 (neurofibromin 1; plus strand). Cytogenetic location: 17q11.2.
Variant type: single nucleotide variant.
Coding change: c.4332+5A>G on transcript NM_001042492.3 (MANE Select); 5 bases into the intron after coding-DNA position 4332, A replaced by G.
Molecular consequence: intron variant.
Genome position (GRCh38, 1-based): chr17:31,258,507, A>G. VCF-style: chr17-31258507-A-G. GRCh37 (hg19) VCF-style: chr17-29585525-A-G.
Other names: c.4269+5A>G (NM_000267.4).
Identifiers: ClinVar variation 3237776 (VCV003237776.1), dbSNP rs2508409865.
Genomic context (GRCh38, chr17:31,258,507, plus strand): 5'-TTTTAGATAAAAAGCCACCACCTAGAATCGAAAGGGGCTTGAAGTTAATGTCAAAGGTGA[A>G]TTATTTTGATAATCTAGCTATCTTAAATTCCCCTTCCAACTAAATTTTCAGCTTTTCTTA-3'